The following is an entry in ClinVar:

NM_001128178.3(NPHP1):c.69+1del

Gene: NPHP1 (nephrocystin 1; minus strand). Cytogenetic location: 2q13.
Variant type: Deletion.
Coding change: c.69+1del on transcript NM_001128178.3 (MANE Select); the canonical splice donor site of the intron after coding-DNA position 69, one base deleted (G; older notation c.69+1delG).
Molecular consequence: splice donor variant.
Genome position (GRCh38, 1-based): chr2:110,204,899, C deleted on the plus strand (G on the coding strand, the reverse complement: NPHP1 is on the minus strand); the first of 2 consecutive C bases (chr2:110,204,899-110,204,900); deleting either gives the same sequence. VCF-style (leftmost placement, unchanged base first): chr2-110204898-AC-A. GRCh37 (hg19) VCF-style: chr2-110962475-AC-A.
Other names: c.69+1del (NM_001128179.3, NM_001374256.1, NM_001374257.1 and 3 more transcripts).
Identifiers: ClinVar variation 2677270 (VCV002677270.6), dbSNP rs1435671751, ClinGen allele CA535159959.

ClinVar aggregate classification (germline): Conflicting classifications of pathogenicity. Review status: criteria provided, conflicting classifications (1 of 4 stars). 4 submissions from 4 submitters: Pathogenic (1); Likely pathogenic (2); Uncertain significance (1). Last evaluated 2024-03-30.

Conditions:
Nephronophthisis. Also called: Juvenile Nephronophthisis. Identifiers: Orphanet 655, MedGen C0687120, MONDO:0019005, HP:0000090.
Joubert syndrome with renal defect. Also called: JOUBERT SYNDROME 4. Identifiers: Orphanet 220497, MedGen C1846790, MONDO:0012308, OMIM 609583.
Senior-Loken syndrome 1 (SLSN1). Also called: JUVENILE NEPHRONOPHTHISIS WITH LEBER AMAUROSIS. Identifiers: Orphanet 3156, MedGen C4551559, MONDO:0009962, OMIM 266900.
Nephronophthisis 1 (NPHP1). Also called: Nephronophthisis familial juvenile. Identifiers: Orphanet 655, Orphanet 93592, MedGen C1855681, MONDO:0009728, OMIM 256100.

Submissions (4):

Fulgent Genetics
Classification: Likely pathogenic for Nephronophthisis 1; Senior-Loken syndrome 1; Joubert syndrome with renal defect. Last evaluated: 2024-03-30. Review status: criteria provided, single submitter. Criteria: ACMG Guidelines, 2015. Collection method: clinical testing. Allele origin: germline.

Blueprint Genetics
Classification: Uncertain significance. Last evaluated: 2023-09-15. Review status: criteria provided, single submitter. Criteria: ACMG Guidelines, 2015. Collection method: clinical testing. Allele origin: germline.

Baylor Genetics
Classification: Likely pathogenic for Joubert syndrome with renal defect. Last evaluated: 2023-04-06. Review status: criteria provided, single submitter. Criteria: ACMG Guidelines, 2015. Collection method: clinical testing. Allele origin: unknown.

Labcorp Genetics (formerly Invitae), Labcorp
Classification: Pathogenic for Nephronophthisis. Last evaluated: 2023-02-23. Review status: criteria provided, single submitter. Criteria: Invitae Variant Classification Sherloc (09022015). Collection method: clinical testing. Allele origin: germline.
Comment: For these reasons, this variant has been classified as Pathogenic. Algorithms developed to predict the effect of sequence changes on RNA splicing suggest that this variant may disrupt the consensus splice site. This variant is also known as c.69+1del. This variant has not been reported in the literature in individuals affected with NPHP1-related conditions. This variant is present in population databases (no rsID available, gnomAD 0.0009%). This sequence change creates a premature translational stop signal (p.Val24Leufs*10) in the NPHP1 gene. It is expected to result in an absent or disrupted protein product. Loss-of-function variants in NPHP1 are known to be pathogenic (PMID: 23559409).

Literature cited by the submitters: PubMed 23559409 (cited by Labcorp Genetics (formerly Invitae), Labcorp).